The following is an entry in ClinVar:

NM_000388.4(CASR):c.1097G>T (p.Gly366Val)

Gene: CASR (calcium sensing receptor; plus strand). Cytogenetic location: 3q21.1.
Variant type: single nucleotide variant.
Coding change: c.1097G>T on transcript NM_000388.4 (MANE Select); coding-DNA position 1097, G replaced by T.
Protein change: p.Gly366Val; replaces glycine 366 with valine.
Molecular consequence: missense variant.
Genome position (GRCh38, 1-based): chr3:122,262,132, G>T. VCF-style: chr3-122262132-G-T. GRCh37 (hg19) VCF-style: chr3-121980979-G-T.
Other names: c.1097G>T, p.Gly366Val (NM_001178065.2); short protein forms G366V.
Identifiers: ClinVar variation 1791012 (VCV001791012.2), dbSNP rs746438858, ClinGen allele CA354152584.

ClinVar aggregate classification (germline): Uncertain significance (1 of 4 stars; one submission).

Conditions:
Nephrolithiasis/nephrocalcinosis. Identifiers: MedGen CN580796.

Submission:

Ambry Genetics
Classification: Uncertain significance for Nephrolithiasis/nephrocalcinosis. Last evaluated: 2022-05-24. Review status: criteria provided, single submitter. Criteria: Ambry Variant Classification Scheme 2023. Collection method: clinical testing. Allele origin: germline.
Comment: The p.G366V variant (also known as c.1097G>T), located in coding exon 3 of the CASR gene, results from a G to T substitution at nucleotide position 1097. The glycine at codon 366 is replaced by valine, an amino acid with dissimilar properties. This amino acid position is conserved. In addition, the in silico prediction for this alteration is inconclusive. Since supporting evidence is limited at this time, the clinical significance of this alteration remains unclear.